The following is an entry in ClinVar:

ClinVar aggregate classification (germline): Uncertain significance (1 of 4 stars; one submission).

Conditions:
Pierson syndrome. Also called: MICROCORIA-CONGENITAL NEPHROTIC SYNDROME. Identifiers: Orphanet 2670, MedGen C1836876, MONDO:0012184, OMIM 609049.
LAMB2-related infantile-onset nephrotic syndrome. Also called: Nephrotic Syndrome, type 5; NEPHROTIC SYNDROME, TYPE 5, WITHOUT OCULAR ABNORMALITIES; NEPHROTIC SYNDROME, TYPE 5, WITH OCULAR ABNORMALITIES. Identifiers: Orphanet 306507, MedGen C3280113, MONDO:0013621, OMIM 614199.

Allele frequency attached by ClinVar (database versions not stated): gnomAD exomes below 0.00001; TOPMed 0.00001.

Submission:

Labcorp Genetics (formerly Invitae), Labcorp
Classification: Uncertain significance for LAMB2-related infantile-onset nephrotic syndrome; Pierson syndrome. Last evaluated: 2021-12-21. Review status: criteria provided, single submitter. Criteria: Invitae Variant Classification Sherloc (09022015). Collection method: clinical testing. Allele origin: germline.
Comment: In summary, the available evidence is currently insufficient to determine the role of this variant in disease. Therefore, it has been classified as a Variant of Uncertain Significance. Algorithms developed to predict the effect of sequence changes on RNA splicing suggest that this variant may create or strengthen a splice site. Algorithms developed to predict the effect of missense changes on protein structure and function (SIFT, PolyPhen-2, Align-GVGD) all suggest that this variant is likely to be tolerated. This variant has not been reported in the literature in individuals affected with LAMB2-related conditions. This variant is not present in population databases (gnomAD no frequency). This sequence change replaces arginine, which is basic and polar, with glutamine, which is neutral and polar, at codon 195 of the LAMB2 protein (p.Arg195Gln).

NM_002292.4(LAMB2):c.584G>A (p.Arg195Gln)

Gene: LAMB2 (laminin subunit beta 2; minus strand). Cytogenetic location: 3p21.31.
Variant type: single nucleotide variant.
Coding change: c.584G>A on transcript NM_002292.4 (MANE Select); coding-DNA position 584, G replaced by A.
Protein change: p.Arg195Gln; replaces arginine 195 with glutamine.
Molecular consequence: missense variant.
Genome position (GRCh38, 1-based): chr3:49,131,599, C>T on the plus strand (G>A on the coding strand, the complement: LAMB2 is on the minus strand). VCF-style: chr3-49131599-C-T. GRCh37 (hg19) VCF-style: chr3-49169032-C-T.
Other names: short protein forms R195Q.
Identifiers: ClinVar variation 2038099 (VCV002038099.3), dbSNP rs975228097, ClinGen allele CA74489174.